The following is an entry in ClinVar:

NM_001723.7(DST):c.6715C>G (p.Gln2239Glu)

Gene: DST (dystonin; minus strand). Cytogenetic location: 6p12.1.
Variant type: single nucleotide variant.
Coding change: c.6715C>G on transcript NM_001723.7 (MANE Plus Clinical); coding-DNA position 6715, C replaced by G.
Protein change: p.Gln2239Glu; replaces glutamine 2239 with glutamic acid.
Molecular consequence: missense variant. On other transcripts: intron variant (10).
Genome position (GRCh38, 1-based): chr6:56,616,752, G>C on the plus strand (C>G on the coding strand, the complement: DST is on the minus strand). VCF-style: chr6-56616752-G-C. GRCh37 (hg19) VCF-style: chr6-56481550-G-C.
Other names: c.4831-2268C>G (NM_001144769.5); c.4930-2268C>G (NM_001374722.1, NM_001374736.1); c.4957-2268C>G (NM_001374734.1); c.4417-2268C>G (NM_001144770.2); c.4297-2268C>G (NM_001374730.1, NM_001386100.1, NM_183380.4 and 1 more transcripts); c.3319-2268C>G (NM_015548.5); short protein forms Q2239E.
Identifiers: ClinVar variation 581325 (VCV000581325.9), dbSNP rs747963109, ClinGen allele CA364564548.

ClinVar aggregate classification (germline): Uncertain significance (1 of 4 stars; one submission).

Conditions:
Epidermolysis bullosa simplex 3, localized or generalized intermediate, with BP230 deficiency (EBS3). Also called: Epidermolysis bullosa simplex, autosomal recessive 2; Epidermolysis bullosa simplex due to BP230 deficiency. Identifiers: Orphanet 412181, MedGen C3809470, MONDO:0014180, OMIM 615425.
Hereditary sensory and autonomic neuropathy type 6. Also called: HSAN VI; Neuropathy, hereditary sensory and autonomic, type VI. Identifiers: Orphanet 314381, MedGen C3539003, MONDO:0013839, OMIM 614653.

Submission:

Labcorp Genetics (formerly Invitae), Labcorp
Classification: Uncertain significance for Epidermolysis bullosa simplex 3, localized or generalized intermediate, with BP230 deficiency; Hereditary sensory and autonomic neuropathy type 6. Last evaluated: 2018-05-09. Review status: criteria provided, single submitter. Criteria: Invitae Variant Classification Sherloc (09022015). Collection method: clinical testing. Allele origin: germline.
Comment: Algorithms developed to predict the effect of missense changes on protein structure and function do not agree on the potential impact of this missense change (SIFT: "Deleterious"; PolyPhen-2: "Benign"; Align-GVGD: "Class C25"). In summary, the available evidence is currently insufficient to determine the role of this variant in disease. Therefore, it has been classified as a Variant of Uncertain Significance. This variant has not been reported in the literature in individuals with DST-related disease. This variant is not present in population databases (ExAC no frequency). This sequence change replaces glutamine with glutamic acid at codon 2239 of the DST protein (p.Gln2239Glu). The glutamine residue is highly conserved and there is a small physicochemical difference between glutamine and glutamic acid.